The following is an entry in ClinVar:

NM_006245.4(PPP2R5D):c.331A>G (p.Thr111Ala)

Gene: PPP2R5D (protein phosphatase 2 regulatory subunit B'delta; plus strand). Cytogenetic location: 6p21.1.
Variant type: single nucleotide variant.
Coding change: c.331A>G on transcript NM_006245.4 (MANE Select); coding-DNA position 331, A replaced by G.
Protein change: p.Thr111Ala; replaces threonine 111 with alanine.
Molecular consequence: missense variant. On other transcripts: 5 prime UTR variant (1), intron variant (2).
Genome position (GRCh38, 1-based): chr6:43,006,919, A>G. VCF-style: chr6-43006919-A-G. GRCh37 (hg19) VCF-style: chr6-42974657-A-G.
Other names: c.-123A>G (NM_001270476.2); c.250-15A>G (NM_180976.3); c.28-15A>G (NM_180977.3); short protein forms T111A.
Identifiers: ClinVar variation 3424164 (VCV003424164.2).
Genomic context (GRCh38, chr6:43,006,919, plus strand): 5'-GCATCGCAGTGAAGGACTACAGAGGAGAACCTGACTGCTGGGGCCCCCACAGATTCGCCA[A>G]CCCAGGAGCGGGAGGAGCTGTTTATCCAGAAGCTACGCCAGTGCTGTGTCCTCTTTGACT-3'
Protein context (NP_006236.1, residues 101-121): QKLPALKDSP[Thr111Ala]QEREELFIQK

ClinVar aggregate classification (germline): Uncertain significance. Review status: criteria provided, multiple submitters, no conflicts (2 of 4 stars). 2 submissions from 2 submitters: Uncertain significance (2). Last evaluated 2024-08-26.

Conditions:
Inborn genetic diseases. Identifiers: MedGen C0950123, MeSH D030342.
Houge-Janssens syndrome 1. Also called: Intellectual disability-macrocephaly-hypotonia-behavioral abnormalities syndrome; PPP2R5D-Related Neurodevelopmental Disorder; INTELLECTUAL DEVELOPMENTAL DISORDER, AUTOSOMAL DOMINANT 35; Hogue-Janssens syndrome 1. Identifiers: Orphanet 457279, MedGen C5779996, MONDO:0014602, OMIM 616355.

Submissions (2):

Ambry Genetics
Classification: Uncertain significance for Inborn genetic diseases. Last evaluated: 2024-08-26. Review status: criteria provided, single submitter. Criteria: Ambry Variant Classification Scheme 2023. Collection method: clinical testing. Allele origin: germline.

Laboratorio de Genetica e Diagnostico Molecular, Hospital Israelita Albert Einstein
Classification: Uncertain significance for Houge-Janssens syndrome 1. Last evaluated: 2024-02-23. Review status: criteria provided, single submitter. Criteria: ACMG Guidelines, 2015. Collection method: clinical testing. Allele origin: germline. Affected: yes.
Comment: ACMG classification criteria: PM2 supporting, PP2 supporting, BP4 supporting